The following is an entry in ClinVar:

ClinVar aggregate classification (germline): Conflicting classifications of pathogenicity. Review status: criteria provided, conflicting classifications (1 of 4 stars). 4 submissions from 4 submitters: Likely pathogenic (1); Uncertain significance (2). 1 of the submissions does not count toward it. Last evaluated 2021-12-09.

Conditions:
Deficiency of acetyl-CoA acetyltransferase. Also called: 3-KETOTHIOLASE DEFICIENCY; 3-OXOTHIOLASE DEFICIENCY; MITOCHONDRIAL ACETOACETYL-CoA THIOLASE DEFICIENCY; Beta-ketothiolase deficiency. Identifiers: Orphanet 134, MedGen C1536500, MONDO:0008760, OMIM 203750. Disease mechanism: loss of function.

Allele frequency attached by ClinVar (database versions not stated): gnomAD exomes 0.00002; gnomAD 0.00003.
gnomAD v4.1: 13 of 1,253,182 alleles (0.001%); highest among the groups gnomAD compares: Non-Finnish European, 0.0014%; no homozygotes.

Submissions (4):

Revvity Omics, Revvity
Classification: Uncertain significance for Deficiency of acetyl-CoA acetyltransferase. Last evaluated: 2021-12-09. Review status: criteria provided, single submitter. Criteria: ACMG Guidelines, 2015. Collection method: clinical testing. Allele origin: germline.

Labcorp Genetics (formerly Invitae), Labcorp
Classification: Uncertain significance for Deficiency of acetyl-CoA acetyltransferase. Last evaluated: 2021-08-12. Review status: criteria provided, single submitter. Criteria: Invitae Variant Classification Sherloc (09022015). Collection method: clinical testing. Allele origin: germline.
Comment: This sequence change replaces isoleucine with valine at codon 323 of the ACAT1 protein (p.Ile323Val). The isoleucine residue is moderately conserved and there is a small physicochemical difference between isoleucine and valine. This variant is not present in population databases (ExAC no frequency). This missense change has been observed in individual(s) with clinical features of ACAT1-related conditions (Invitae). Algorithms developed to predict the effect of missense changes on protein structure and function output the following: SIFT: "Tolerated"; PolyPhen-2: "Benign"; Align-GVGD: "Class C0". The valine amino acid residue is found in multiple mammalian species, which suggests that this missense change does not adversely affect protein function. This variant disrupts the p.Ile323 amino acid residue in ACAT1. Other variant(s) that disrupt this residue have been observed in individuals with ACAT1-related conditions (PMID: 27928777), which suggests that this may be a clinically significant amino acid residue. In summary, the available evidence is currently insufficient to determine the role of this variant in disease. Therefore, it has been classified as a Variant of Uncertain Significance.

Department of Molecular Genetics, Istishari Arab Hospital
Classification: Likely pathogenic for Deficiency of acetyl-CoA acetyltransferase. Review status: criteria provided, single submitter. Criteria: ACMG Guidelines, 2015. Collection method: clinical testing. Allele origin: inherited. Inheritance: Autosomal recessive inheritance. Affected: yes. Observed: 1 homozygote.
Comment: We identified this missense variant (p.Ile323Val) in the homozygous state in six patients from three apparently unrelated families with clinical features consistent with beta-ketothiolase deficiency. Co-segregation with disease was observed in affected family members (PP1). To the best of our knowledge, this variant has not been previously reported in the literature. The variant is extremely rare in the general population (PM2) and results in an amino acid substitution at a residue where other pathogenic missense changes have been reported (ClinVar Variation ID: 666517) (PM5). In silico tools predict a deleterious effect (PolyPhen-2: 0.86; MutationTaster: polymorphism; CADD: 18.2; Alpha Missense Score: 0.77). In addition, missense varations are a common disease mechanism in ACAT1 (PP2). Based on this evidence, the variant is classified as likely pathogenic, consistent with ACMG criteria: PM2, PM5, PP1, PP2.

Natera, Inc.
Classification: Uncertain significance for Alpha-methylacetoacetic aciduria. Last evaluated: 2021-01-06. Review status: no assertion criteria provided. Collection method: clinical testing. Allele origin: germline. Not counted in ClinVar's aggregate classification.

Literature cited by the submitters: PubMed 27928777 (cited by Labcorp Genetics (formerly Invitae), Labcorp).

NM_000019.4(ACAT1):c.967A>G (p.Ile323Val)

Gene: ACAT1 (acetyl-CoA acetyltransferase 1; plus strand). Cytogenetic location: 11q22.3.
Variant type: single nucleotide variant.
Coding change: c.967A>G on transcript NM_000019.4 (MANE Select); coding-DNA position 967, A replaced by G.
Protein change: p.Ile323Val; replaces isoleucine 323 with valine.
Molecular consequence: missense variant.
Genome position (GRCh38, 1-based): chr11:108,144,009, A>G. VCF-style: chr11-108144009-A-G. GRCh37 (hg19) VCF-style: chr11-108014736-A-G.
Other names: p.IIe323val; c.967A>G, p.Ile323Val (LRG_1400t1); short protein forms I323V.
Identifiers: ClinVar variation 532307 (VCV000532307.10), dbSNP rs1282394804, ClinGen allele CA382508236.